The following is an entry in ClinVar:

ClinVar aggregate classification (germline): Likely pathogenic. Review status: criteria provided, single submitter (1 of 4 stars). 3 submissions from 3 submitters: Likely pathogenic (1). 2 of the submissions do not count toward it. Last evaluated 2024-10-30.

Conditions:
Spinocerebellar ataxia type 19/22 (SCA19). Also called: SPINOCEREBELLAR ATAXIA 19; SPINOCEREBELLAR ATAXIA 22. Identifiers: Orphanet 98772, MedGen C1846367, MONDO:0011819, OMIM 607346.
Variant of unknown significance. Identifiers: MedGen C2986382.

Submissions (3):

3billion
Classification: Likely pathogenic for Spinocerebellar ataxia type 19/22. Last evaluated: 2024-10-30. Review status: criteria provided, single submitter. Criteria: ACMG Guidelines, 2015. Collection method: clinical testing. Allele origin: germline. Affected: yes.
Comment: The variant is not observed in the gnomAD v4.1.0 dataset. Predicted Consequence/Location: Missense variant. Missense changes are a common disease-causing mechanism. Functional studies provide moderate evidence of the variant having a damaging effect on the gene or gene product (PMID: 23280838). In silico tool predictions suggest damaging effect of the variant on gene or gene product [REVEL: 0.87 (>=0.6, sensitivity 0.68 and specificity 0.92); 3Cnet: 0.98 (>=0.6, sensitivity 0.72 and precision 0.9)]. The same nucleotide change resulting in the same amino acid change has been previously reported to be associated with KCND3 related disorder (ClinVar ID: VCV000066064 /PMID: 23280838). Therefore, this variant is classified as Likely pathogenic according to the recommendation of ACMG/AMP guideline.

O&I group, Department of Genetics, University Medical Center of Groningen
Classification: Pathogenic for Spinocerebellar ataxia type 19/22. Last evaluated: 2021-07-22. Review status: no assertion criteria provided. Collection method: research. Allele origin: inherited. Affected: yes. Not counted in ClinVar's aggregate classification.

OMIM
Classification: Uncertain significance for VARIANT OF UNKNOWN SIGNIFICANCE. Last evaluated: 2012-12-01. Review status: no assertion criteria provided. Collection method: literature only. Allele origin: germline. Not counted in ClinVar's aggregate classification.

Literature cited by the submitters: PubMed 23280838 (cited by 3billion and OMIM); DOI 10.3389/fgene.2022.782685 (cited by O&I group, Department of Genetics, University Medical Center of Groningen).

NM_001378969.1(KCND3):c.1169G>A (p.Ser390Asn)

Gene: KCND3 (potassium voltage-gated channel subfamily D member 3; minus strand). Cytogenetic location: 1p13.2.
Variant type: single nucleotide variant.
Coding change: c.1169G>A on transcript NM_001378969.1 (MANE Select); coding-DNA position 1169, G replaced by A.
Protein change: p.Ser390Asn; replaces serine 390 with asparagine.
Molecular consequence: missense variant.
Genome position (GRCh38, 1-based): chr1:111,787,044, C>T on the plus strand (G>A on the coding strand, the complement: KCND3 is on the minus strand). VCF-style: chr1-111787044-C-T. GRCh37 (hg19) VCF-style: chr1-112329666-C-T.
Other names: c.1169G>A, p.Ser390Asn (NM_001378970.1, NM_004980.5, NM_172198.3); short protein forms S390N.
Identifiers: ClinVar variation 66064 (VCV000066064.28), dbSNP rs397515478, ClinGen allele CA144862.